The following is an entry in ClinVar:

ClinVar aggregate classification (germline): Uncertain significance. Review status: criteria provided, multiple submitters, no conflicts (2 of 4 stars). 2 submissions from 2 submitters: Uncertain significance (2). Last evaluated 2025-08-11.

Conditions:
Gorlin syndrome. Also called: Nevoid Basal Cell Carcinoma Syndrome; Basal cell nevus syndrome. Identifiers: Orphanet 377, MedGen C0004779, MONDO:0007187.
Medulloblastoma (MDB). Also called: Medulloblastoma, somatic; MEDULLOBLASTOMA PREDISPOSITION SYNDROME. Identifiers: Orphanet 616, MedGen C0025149, MeSH D008527, MONDO:0007959, OMIM 155255, HP:0002885.
Hereditary cancer-predisposing syndrome. Also called: Neoplastic Syndromes, Hereditary; Hereditary neoplastic syndrome; Tumor predisposition; Hereditary Cancer Syndrome. Identifiers: Orphanet 140162, MedGen C0027672, MeSH D009386, MONDO:0015356.

gnomAD v4.1: 1 of 1,582,178 alleles (0.000063%); highest among the groups gnomAD compares: Non-Finnish European, 0.000086%; no homozygotes.

Submissions (2):

Labcorp Genetics (formerly Invitae), Labcorp
Classification: Uncertain significance for Gorlin syndrome; Medulloblastoma. Last evaluated: 2025-08-11. Review status: criteria provided, single submitter. Criteria: Invitae Variant Classification Sherloc (09022015). Collection method: clinical testing. Allele origin: germline.
Comment: This sequence change replaces proline, which is neutral and non-polar, with leucine, which is neutral and non-polar, at codon 16 of the SUFU protein (p.Pro16Leu). This variant is not present in population databases (gnomAD no frequency). This variant has not been reported in the literature in individuals affected with SUFU-related conditions. ClinVar contains an entry for this variant (Variation ID: 1931632). An algorithm developed to predict the effect of missense changes on protein structure and function (PolyPhen-2) suggests that this variant is likely to be disruptive. In summary, the available evidence is currently insufficient to determine the role of this variant in disease. Therefore, it has been classified as a Variant of Uncertain Significance.

Ambry Genetics
Classification: Uncertain significance for Hereditary cancer-predisposing syndrome. Last evaluated: 2023-08-24. Review status: criteria provided, single submitter. Criteria: Ambry Variant Classification Scheme 2023. Collection method: clinical testing. Allele origin: germline.
Comment: The p.P16L variant (also known as c.47C>T), located in coding exon 1 of the SUFU gene, results from a C to T substitution at nucleotide position 47. The proline at codon 16 is replaced by leucine, an amino acid with similar properties. This amino acid position is highly conserved in available vertebrate species. In addition, the in silico prediction for this alteration is inconclusive. Since supporting evidence is limited at this time, the clinical significance of this alteration remains unclear.

NM_016169.4(SUFU):c.47C>T (p.Pro16Leu)

Genes: SUFU (SUFU negative regulator of hedgehog signaling; plus strand), LOC130004614 (ATAC-STARR-seq lymphoblastoid silent region 2764; plus strand). Cytogenetic location: 10q24.32.
Variant type: single nucleotide variant.
Coding change: c.47C>T on transcript NM_016169.4 (MANE Select); coding-DNA position 47, C replaced by T.
Protein change: p.Pro16Leu; replaces proline 16 with leucine.
Molecular consequence: missense variant.
Genome position (GRCh38, 1-based): chr10:102,504,199, C>T. VCF-style: chr10-102504199-C-T. GRCh37 (hg19) VCF-style: chr10-104263956-C-T.
Other names: c.47C>T, p.Pro16Leu (NM_001178133.2); short protein forms P16L.
Identifiers: ClinVar variation 1931632 (VCV001931632.7), dbSNP rs1690152705, ClinGen allele CA377886249.